The following is an entry in ClinVar:

NM_021619.3(PRDM12):c.223G>A (p.Glu75Lys)

Gene: PRDM12 (PR/SET domain 12; plus strand). Cytogenetic location: 9q34.12.
Variant type: single nucleotide variant.
Coding change: c.223G>A on transcript NM_021619.3 (MANE Select); coding-DNA position 223, G replaced by A.
Protein change: p.Glu75Lys; replaces glutamic acid 75 with lysine.
Molecular consequence: missense variant.
Genome position (GRCh38, 1-based): chr9:130,664,876, G>A. VCF-style: chr9-130664876-G-A. GRCh37 (hg19) VCF-style: chr9-133540263-G-A.
Other names: short protein forms E75K.
Identifiers: ClinVar variation 2375820 (VCV002375820.2), dbSNP rs2490720327, ClinGen allele CA375245840.

ClinVar aggregate classification (germline): Uncertain significance (1 of 4 stars; one submission).

Conditions:
Inborn genetic diseases. Identifiers: MedGen C0950123, MeSH D030342.

Allele frequency attached by ClinVar (database versions not stated): gnomAD exomes below 0.00001.
gnomAD v4.1: 3 of 1,535,294 alleles (0.0002%); highest among the groups gnomAD compares: East Asian, 0.0025%; no homozygotes.

Submission:

Ambry Genetics
Classification: Uncertain significance for Inborn genetic diseases. Last evaluated: 2022-11-07. Review status: criteria provided, single submitter. Criteria: Ambry Variant Classification Scheme 2023. Collection method: clinical testing. Allele origin: germline.
Comment: Occurs in the last base pair of the exon Based on insufficient or conflicting evidence, the clinical significance of this alteration remains unclear.